The following is an entry in ClinVar:

NM_001039348.3(EFEMP1):c.785A>G (p.Asn262Ser)

Gene: EFEMP1 (EGF-like fibulin extracellular matrix protein 1; minus strand). Cytogenetic location: 2p16.1.
Variant type: single nucleotide variant.
Coding change: c.785A>G on transcript NM_001039348.3 (MANE Select); coding-DNA position 785, A replaced by G.
Protein change: p.Asn262Ser; replaces asparagine 262 with serine.
Molecular consequence: missense variant.
Genome position (GRCh38, 1-based): chr2:55,876,718, T>C on the plus strand (A>G on the coding strand, the complement: EFEMP1 is on the minus strand). VCF-style: chr2-55876718-T-C. GRCh37 (hg19) VCF-style: chr2-56103853-T-C.
Other names: c.785A>G, p.Asn262Ser (NM_001039349.3); short protein forms N262S.
Identifiers: ClinVar variation 1912338 (VCV001912338.5), dbSNP rs148488868, ClinGen allele CA1668812.

ClinVar aggregate classification (germline): Uncertain significance (1 of 4 stars; one submission).

Allele frequency attached by ClinVar (database versions not stated): gnomAD exomes below 0.00001; ExAC 0.00001; gnomAD 0.00002; TOPMed 0.00002; ESP Exome Variant Server 0.00008.
gnomAD v4.1: 4 of 1,610,028 alleles (0.00025%); highest among the groups gnomAD compares: Non-Finnish European, 0.00034%; no homozygotes.

Submission:

Labcorp Genetics (formerly Invitae), Labcorp
Classification: Uncertain significance. Last evaluated: 2024-05-20. Review status: criteria provided, single submitter. Criteria: Invitae Variant Classification Sherloc (09022015). Collection method: clinical testing. Allele origin: germline.
Comment: This sequence change replaces asparagine, which is neutral and polar, with serine, which is neutral and polar, at codon 262 of the EFEMP1 protein (p.Asn262Ser). This variant is present in population databases (rs148488868, gnomAD 0.0009%). This variant has not been reported in the literature in individuals affected with EFEMP1-related conditions. ClinVar contains an entry for this variant (Variation ID: 1912338). Advanced modeling of protein sequence and biophysical properties (such as structural, functional, and spatial information, amino acid conservation, physicochemical variation, residue mobility, and thermodynamic stability) performed at Invitae indicates that this missense variant is not expected to disrupt EFEMP1 protein function with a negative predictive value of 80%. In summary, the available evidence is currently insufficient to determine the role of this variant in disease. Therefore, it has been classified as a Variant of Uncertain Significance.